The following is an entry in ClinVar:

ClinVar aggregate classification (germline): Uncertain significance (1 of 4 stars; one submission).

Conditions:
Inborn genetic diseases. Identifiers: MedGen C0950123, MeSH D030342.

Submission:

Ambry Genetics
Classification: Uncertain significance for Inborn genetic diseases. Last evaluated: 2026-06-13. Review status: criteria provided, single submitter. Criteria: Ambry Variant Classification Scheme 2023. Collection method: clinical testing. Allele origin: germline.
Comment: The p.S1215P variant (also known as c.3643T>C), located in coding exon 33 of the RTEL1 gene, results from a T to C substitution at nucleotide position 3643. The serine at codon 1215 is replaced by proline, an amino acid with similar properties. This amino acid position is conserved. In addition, this alteration is predicted to be tolerated by in silico analysis. Based on the available evidence, the clinical significance of this variant remains unclear.

NM_001283009.2(RTEL1):c.3643T>C (p.Ser1215Pro)

Genes: RTEL1 (regulator of telomere elongation helicase 1; plus strand), RTEL1-TNFRSF6B (RTEL1-TNFRSF6B readthrough (NMD candidate); plus strand). Cytogenetic location: 20q13.33.
Variant type: single nucleotide variant.
Coding change: c.3643T>C on transcript NM_001283009.2 (MANE Select); coding-DNA position 3643, T replaced by C.
Protein change: p.Ser1215Pro; replaces serine 1215 with proline.
Molecular consequence: missense variant. On other transcripts: non-coding transcript variant (1).
Genome position (GRCh38, 1-based): chr20:63,695,471, T>C. VCF-style: chr20-63695471-T-C. GRCh37 (hg19) VCF-style: chr20-62326824-T-C.
Other names: c.2974T>C, p.Ser992Pro (NM_001283010.1); c.3643T>C, p.Ser1215Pro (NM_016434.4); c.3715T>C, p.Ser1239Pro (NM_032957.5); short protein forms S1215P, S1239P, S992P.
Identifiers: ClinVar variation 4863622 (VCV004863622.1).
Genomic context (GRCh38, chr20:63,695,471, plus strand): 5'-GCGGGCGGTGAGGATGCAGGTCCCAGCCAGTCCTCAGGACCTCCCCACGGGCCTGCAGCA[T>C]CTGAGTGGGGTGAGCCTCATGGGAGAGACATCGCTGGGCAGCAGGCCACGGGAGCTCCGG-3'
Protein context (NP_001269938.1, residues 1205-1225): SSGPPHGPAA[Ser1215Pro]EWGEPHGRDI